The following is an entry in ClinVar:

ClinVar aggregate classification (germline): Uncertain significance (1 of 4 stars; one submission).

Conditions:
Developmental and epileptic encephalopathy, 30 (DEE30). Also called: Epileptic encephalopathy, early infantile, 30. Identifiers: MedGen C4225360, MONDO:0014595, OMIM 616341.

Submission:

Labcorp Genetics (formerly Invitae), Labcorp
Classification: Uncertain significance for Developmental and epileptic encephalopathy, 30. Last evaluated: 2023-09-10. Review status: criteria provided, single submitter. Criteria: Invitae Variant Classification Sherloc (09022015). Collection method: clinical testing. Allele origin: germline.
Comment: This variant has not been reported in the literature in individuals affected with SIK1-related conditions. This sequence change replaces proline, which is neutral and non-polar, with histidine, which is basic and polar, at codon 282 of the SIK1 protein (p.Pro282His). This variant is not present in population databases (gnomAD no frequency). Advanced modeling of protein sequence and biophysical properties (such as structural, functional, and spatial information, amino acid conservation, physicochemical variation, residue mobility, and thermodynamic stability) performed at Invitae indicates that this missense variant is not expected to disrupt SIK1 protein function. In summary, the available evidence is currently insufficient to determine the role of this variant in disease. Therefore, it has been classified as a Variant of Uncertain Significance.

NM_173354.5(SIK1):c.845C>A (p.Pro282His)

Gene: SIK1 (salt inducible kinase 1; minus strand). Cytogenetic location: 21q22.3.
Variant type: single nucleotide variant.
Coding change: c.845C>A on transcript NM_173354.5 (MANE Select); coding-DNA position 845, C replaced by A.
Protein change: p.Pro282His; replaces proline 282 with histidine.
Molecular consequence: missense variant.
Genome position (GRCh38, 1-based): chr21:43,420,361, G>T on the plus strand (C>A on the coding strand, the complement: SIK1 is on the minus strand). VCF-style: chr21-43420361-G-T. GRCh37 (hg19) VCF-style: chr21-44840241-G-T.
Other names: short protein forms P282H.
Identifiers: ClinVar variation 2752198 (VCV002752198.3), dbSNP rs2516966810, ClinGen allele CA410609286.